The following is an entry in ClinVar:

NM_203407.3(EZHIP):c.670C>T (p.Leu224Phe)

Gene: EZHIP (EZH inhibitory protein; plus strand). Cytogenetic location: Xp11.22.
Variant type: single nucleotide variant.
Coding change: c.670C>T on transcript NM_203407.3 (MANE Select); coding-DNA position 670, C replaced by T.
Protein change: p.Leu224Phe; replaces leucine 224 with phenylalanine.
Molecular consequence: missense variant.
Genome position (GRCh38, 1-based): chrX:51,407,686, C>T. VCF-style: chrX-51407686-C-T. GRCh37 (hg19) VCF-style: chrX-51150538-C-T.
Other names: short protein forms L224F.
Identifiers: ClinVar variation 4530055 (VCV004530055.1).

ClinVar aggregate classification (somatic clinical impact): Tier II - Potential (1 of 4 stars; one submission).

Conditions:
Posterior fossa group A ependymoma. Identifiers: MedGen C5670548, MONDO:0956992.

Submission:

Institute for Genomic Medicine (IGM) Clinical Laboratory, Nationwide Children's Hospital
Classification: Tier II - Potential for Posterior fossa group A ependymoma. Assertion type: diagnostic. Clinical significance: supports diagnosis. Last evaluated: 2022-10-03. Review status: criteria provided, single submitter. Criteria: AMP/ASCO/CAP Guidelines, 2017. Collection method: clinical testing. Allele origin: somatic. Affected: yes.
Comment: Variant has Tier II (potential) clinical significance as a diagnostic inclusion criterion in posterior fossa group A ependymoma, based on the following evidence: 1) Appears in one or more well-established professional guidelines (e.g., World Health Organization [WHO]; National Comprehensive Cancer Network [NCCN]) as providing diagnostic, prognostic, or therapeutic information. 2) Diagnostic significance based on multiple small studies (Evidence Level C; PMID: 29909548).

Literature cited by the submitters: PubMed 29909548.